The following is an entry in ClinVar:

ClinVar aggregate classification (germline): Uncertain significance. Review status: criteria provided, multiple submitters, no conflicts (2 of 4 stars). 3 submissions from 3 submitters: Uncertain significance (3). Last evaluated 2026-05-24.

Conditions:
Hereditary cancer-predisposing syndrome. Also called: Tumor predisposition; Neoplastic Syndromes, Hereditary; Hereditary neoplastic syndrome; Hereditary Cancer Syndrome. Identifiers: Orphanet 140162, MedGen C0027672, MeSH D009386, MONDO:0015356.
Gastrointestinal stromal tumor. Also called: Gastrointestinal stromal tumor, somatic; Gastrointestinal stroma tumor. Identifiers: Orphanet 44890, MedGen C0238198, MeSH D046152, MONDO:0011719, OMIM 606764, HP:0100723.

Submissions (3):

Ambry Genetics
Classification: Uncertain significance for Hereditary cancer-predisposing syndrome. Last evaluated: 2026-05-24. Review status: criteria provided, single submitter. Criteria: Ambry Variant Classification Scheme 2023. Collection method: clinical testing. Allele origin: germline.
Comment: The p.M425T variant (also known as c.1274T>C), located in coding exon 8 of the KIT gene, results from a T to C substitution at nucleotide position 1274. The methionine at codon 425 is replaced by threonine, an amino acid with similar properties. This amino acid position is conserved. In addition, this alteration is predicted to be tolerated by in silico analysis. Based on the available evidence, the clinical significance of this variant remains unclear.

Labcorp Genetics (formerly Invitae), Labcorp
Classification: Uncertain significance for Gastrointestinal stromal tumor. Last evaluated: 2025-10-31. Review status: criteria provided, single submitter. Criteria: Invitae Variant Classification Sherloc (09022015). Collection method: clinical testing. Allele origin: germline.
Comment: This sequence change replaces methionine, which is neutral and non-polar, with threonine, which is neutral and polar, at codon 425 of the KIT protein (p.Met425Thr). This variant is not present in population databases (gnomAD no frequency). This variant has not been reported in the literature in individuals affected with KIT-related conditions. ClinVar contains an entry for this variant (Variation ID: 1044251). An algorithm developed to predict the effect of missense changes on protein structure and function outputs the following: PolyPhen-2: "Benign". The threonine amino acid residue is found in multiple mammalian species, which suggests that this missense change does not adversely affect protein function. In summary, the available evidence is currently insufficient to determine the role of this variant in disease. Therefore, it has been classified as a Variant of Uncertain Significance.

Sema4
Classification: Uncertain significance for Hereditary cancer-predisposing syndrome. Last evaluated: 2021-11-12. Review status: criteria provided, single submitter. Criteria: Sema4 Curation Guidelines. Collection method: curation. Allele origin: germline.
Comment: The KIT c.1274T>C (p.M425T) variant has not been reported in the literature to our knowledge. It was not observed in the Genome Aggregation Database. The variant has been reported in ClinVar (Variation ID: 1044251). In silico tools suggest the impact of the variant on protein function is benign, though these predictions have not been confirmed by functional studies. The evidence is insufficient to meet ACMG/AMP criteria for classifying the variant as benign or pathogenic. Thus, the clinical significance of this variant is currently uncertain.

NM_000222.3(KIT):c.1274T>C (p.Met425Thr)

Gene: KIT (KIT proto-oncogene, receptor tyrosine kinase; plus strand). Cytogenetic location: 4q12.
Variant type: single nucleotide variant.
Coding change: c.1274T>C on transcript NM_000222.3 (MANE Select); coding-DNA position 1274, T replaced by C.
Protein change: p.Met425Thr; replaces methionine 425 with threonine.
Molecular consequence: missense variant.
Genome position (GRCh38, 1-based): chr4:54,723,626, T>C. VCF-style: chr4-54723626-T-C. GRCh37 (hg19) VCF-style: chr4-55589792-T-C.
Other names: c.1274T>C, p.Met425Thr (NM_001093772.2, NM_001385285.1, NM_001385286.1); c.1277T>C, p.Met426Thr (NM_001385284.1, NM_001385288.1, NM_001385290.1 and 1 more transcripts); short protein forms M425T, M426T.
Identifiers: ClinVar variation 1044251 (VCV001044251.18), dbSNP rs878853760, ClinGen allele CA356905503.